The following is an entry in ClinVar:

ClinVar aggregate classification (germline): Pathogenic. Review status: reviewed by expert panel (3 of 4 stars). 8 submissions from 8 submitters: Pathogenic (1). 7 of the submissions do not count toward it. Last evaluated 2024-01-23.

Conditions:
DCLRE1C-related disorder. Also called: DCLRE1C-related condition.
Histiocytic medullary reticulosis. Also called: Omenn syndrome; SEVERE COMBINED IMMUNODEFICIENCY WITH HYPEREOSINOPHILIA. Identifiers: Orphanet 39041, MedGen C2700553, MONDO:0011338, OMIM 603554.
Severe combined immunodeficiency due to DCLRE1C deficiency (RS-SCID). Also called: SCID, AUTOSOMAL RECESSIVE, T CELL-NEGATIVE, B CELL-NEGATIVE, NK CELL-POSITIVE, WITH SENSITIVITY TO IONIZING RADIATION. Identifiers: Orphanet 275, MedGen C1865371, MONDO:0011225, OMIM 602450.

Allele frequency attached by ClinVar (database versions not stated): gnomAD exomes 0.00001 and below 0.00001.
gnomAD v4.1: 8 of 1,613,976 alleles (0.0005%); highest among the groups gnomAD compares: Non-Finnish European, 0.00068%; no homozygotes.

Submissions (8):

ClinGen Severe Combined Immunodeficiency Variant Curation Expert Panel, ClinGen
Classification: Pathogenic for Severe combined immunodeficiency due to DCLRE1C deficiency. Last evaluated: 2024-01-23. Review status: reviewed by expert panel. Criteria: ClinGen SCID ACMG Specifications DCLRE1C V1.0.0. Collection method: curation. Allele origin: germline. Inheritance: Autosomal recessive inheritance.
Comment: The c.103C>G (NM_001033855.3) variant in DCLRE1C is a missense variant predicted to cause the substitution of Histidine by Aspartic Acid at amino acid 35 (p.His35Asp). The highest population minor allele frequency in gnomAD v4 is 0.000003100 (8/1111884 alleles) in the European (non-Finnish) population, which is lower than the ClinGen SCID VCEP threshold (<0.00003266) for PM2_Supporting, meeting this criterion (PM2_Supporting). No homozygotes have been observed in gnomAD. Activity levels in % of WT activity = Recombination: Mean (SD): 0 (0.3) and DNA repair (36h after IR): Mean (SD): 27.29 (16.57). PS3 is Met at a moderate level (PMID: 25917813). This variant has been detected in at least 4 individuals with SCID. Of those individuals, 02 were compound heterozygous for the variants: c.2T>C (p.Met1Thr) VUS according to SCID VCEP, 0.25pts AND p.L187*; Pathogenic according to the SCID VCEP specifications, 1 point. 02 individuals were homozygous for the variants (1 point). The total is 2.25 points, PM3_Strong. (PMIDs: 24481607, 15731174, and 32441320). At least one patient with this variant displayed T-B-NK+ (0.5 pts) + Diagnostic criteria for SCID/Leaky SCID/Omenn syndrome met (0.5 pts) + Family history of SCID (0.5 pts) + SCID gene panel or exome/genome sequencing conducted (0.5 pts), totaling 2 points, which is highly specific for SCID (PP4_Moderate, PMID: 24481607). In summary, this variant is classified as a Pathogenic for autosomal recessive SCID based on ACMG/AMP criteria applied, as specified by the ClinGen SCID VCEP (specification version 1.0): PM3_Strong, PS3_Moderate, PP1_Supporting, PP4_Moderate, and PM2_Supporting.

GeneDx
Classification: Pathogenic. Last evaluated: 2026-05-19. Review status: criteria provided, single submitter. Criteria: GeneDx Variant Classification Process June 2021. Collection method: clinical testing. Allele origin: germline. Not counted in ClinVar's aggregate classification.
Comment: Published functional studies demonstrate both reduced recombination activity and DNA repair activity (PMID: 25917813); Not observed at significant frequency in large population cohorts (gnomAD); In silico analysis supports that this missense variant has a deleterious effect on protein structure/function; This variant is associated with the following publications: (PMID: 32441320, 15071507, 19953608, 24144642, 25917813, 15731174, 39052144, 40585230)

Fulgent Genetics
Classification: Pathogenic for Severe combined immunodeficiency due to DCLRE1C deficiency; Histiocytic medullary reticulosis. Last evaluated: 2024-04-11. Review status: criteria provided, single submitter. Criteria: ACMG Guidelines, 2015. Collection method: clinical testing. Allele origin: germline. Not counted in ClinVar's aggregate classification.

Baylor Genetics
Classification: Pathogenic for Histiocytic medullary reticulosis. Last evaluated: 2023-12-10. Review status: criteria provided, single submitter. Criteria: ACMG Guidelines, 2015. Collection method: clinical testing. Allele origin: unknown. Not counted in ClinVar's aggregate classification.

Labcorp Genetics (formerly Invitae), Labcorp
Classification: Pathogenic for Athabaskan severe combined immunodeficiency. Last evaluated: 2023-07-17. Review status: criteria provided, single submitter. Criteria: Invitae Variant Classification Sherloc (09022015). Collection method: clinical testing. Allele origin: germline. Not counted in ClinVar's aggregate classification.
Comment: This variant is present in population databases (rs121908159, gnomAD 0.0009%). This missense change has been observed in individual(s) with severe combined immunodeficiency (PMID: 15731174, 24144642). In at least one individual the data is consistent with being in trans (on the opposite chromosome) from a pathogenic variant. ClinVar contains an entry for this variant (Variation ID: 4674). An algorithm developed to predict the effect of missense changes on protein structure and function (PolyPhen-2) suggests that this variant is likely to be disruptive. Experimental studies have shown that this missense change affects DCLRE1C function (PMID: 15731174, 25917813). This sequence change replaces histidine, which is basic and polar, with aspartic acid, which is acidic and polar, at codon 35 of the DCLRE1C protein (p.His35Asp). For these reasons, this variant has been classified as Pathogenic.

Blueprint Genetics
Classification: Pathogenic for DCLRE1C-related disorders. Last evaluated: 2022-06-01. Review status: criteria provided, single submitter. Criteria: ACMG Guidelines, 2015. Collection method: clinical testing. Allele origin: germline. Affected: yes. Observed: 1 variant allele. Not counted in ClinVar's aggregate classification.

Illumina Laboratory Services, Illumina
Classification: Likely pathogenic for Histiocytic medullary reticulosis. Last evaluated: 2018-02-16. Review status: criteria provided, single submitter. Criteria: ICSL Variant Classification Criteria 09 May 2019. Collection method: clinical testing. Allele origin: germline. Not counted in ClinVar's aggregate classification.
Comment: The DCLRE1C c.103C>G (p.His35Asp) missense variant has been reported in a single study in which it was identified in a compound heterozygous state in two related individuals (Ege at al. 2005). One proband was clinically diagnosed with Omenn syndrome with symptoms including sepsis, failure to thrive, generalized lymphedema, hepatomegaly, splenomegaly, and erythrodermatitis. The brother was clinically diagnosed with thrombocytopenia and autoimmune hemolytic anemia with a possible diagnosis of Evans syndrome (Ege et al. 2005). Control data are unavailable for the p.His35Asp variant which is reported at a frequency of 0.000009 in the European (non-Finnish) population of the Genome Aggregation Database. The p.His35Asp variant causes significantly reduced recombination activity and DNA repair as well as loss of endonuclease activity (Pannicke et al. 2004; Pannicke et al. 2010; Felgentreff et al. 2015). The mean activity level in comparison to the wild type, endogenous control activity for the c.103C>G variant is 0% for mean recombination and 27.29% for mean DNA repair (Felgentreff et al. 2015). Based on the available evidence, the c.103C>G (p.His35Asp) variant is classified as likely pathogenic for Omenn syndrome. This variant was observed by ICSL as part of a predisposition screen in an ostensibly healthy population.

OMIM
Classification: Pathogenic for OMENN SYNDROME. Last evaluated: 2005-06-01. Review status: no assertion criteria provided. Collection method: literature only. Allele origin: germline. Not counted in ClinVar's aggregate classification.

Literature cited by the submitters: PubMed 15731174 (cited by 3 submitters); PubMed 24144642 (cited by Labcorp Genetics (formerly Invitae), Labcorp); PubMed 25917813 (cited by Labcorp Genetics (formerly Invitae), Labcorp and Illumina Laboratory Services, Illumina); PubMed 19953608 (cited by Illumina Laboratory Services, Illumina); PubMed 15071507 (cited by Illumina Laboratory Services, Illumina).

NM_001033855.3(DCLRE1C):c.103C>G (p.His35Asp)

Gene: DCLRE1C (DNA cross-link repair 1C; minus strand). Cytogenetic location: 10p13.
Variant type: single nucleotide variant.
Coding change: c.103C>G on transcript NM_001033855.3 (MANE Select); coding-DNA position 103, C replaced by G.
Protein change: p.His35Asp; replaces histidine 35 with aspartic acid.
Molecular consequence: missense variant. On other transcripts: 5 prime UTR variant (9), non-coding transcript variant (4).
Genome position (GRCh38, 1-based): chr10:14,953,908, G>C on the plus strand (C>G on the coding strand, the complement: DCLRE1C is on the minus strand). VCF-style: chr10-14953908-G-C. GRCh37 (hg19) VCF-style: chr10-14995907-G-C.
Other names: NM_001033855.3(DCLRE1C):c.103C>G; c.-343C>G (NM_001033857.3, NM_001350967.2); c.-665C>G (NM_001033858.3); c.-102C>G (NM_001289076.2); c.-389C>G (NM_001289077.2); c.-135C>G (NM_001289078.2, NM_001350966.2); c.-711C>G (NM_001289079.2); c.103C>G, p.His35Asp (NM_001350965.2); and 1 more; short protein forms H35D.
Identifiers: ClinVar variation 4674 (VCV000004674.20), dbSNP rs121908159, ClinGen allele CA117007.